The following is an entry in ClinVar:

NM_017662.5(TRPM6):c.5990A>C (p.Glu1997Ala)

Gene: TRPM6 (transient receptor potential cation channel subfamily M member 6; minus strand). Cytogenetic location: 9q21.13.
Variant type: single nucleotide variant.
Coding change: c.5990A>C on transcript NM_017662.5 (MANE Select); coding-DNA position 5990, A replaced by C.
Protein change: p.Glu1997Ala; replaces glutamic acid 1997 with alanine.
Molecular consequence: missense variant.
Genome position (GRCh38, 1-based): chr9:74,724,692, T>G on the plus strand (A>C on the coding strand, the complement: TRPM6 is on the minus strand). VCF-style: chr9-74724692-T-G. GRCh37 (hg19) VCF-style: chr9-77339608-T-G.
Other names: c.5975A>C, p.Glu1992Ala (NM_001177310.2, NM_001177311.2); short protein forms E1992A, E1997A.
Identifiers: ClinVar variation 1957255 (VCV001957255.6), dbSNP rs769242388, ClinGen allele CA5083627.

ClinVar aggregate classification (germline): Uncertain significance. Review status: criteria provided, multiple submitters, no conflicts (2 of 4 stars). 2 submissions from 2 submitters: Uncertain significance (2). Last evaluated 2024-06-14.

Conditions:
Intestinal hypomagnesemia 1. Also called: HYPOMAGNESEMIA, INTESTINAL, WITH SECONDARY HYPOCALCEMIA; HYPOMAGNESEMIC TETANY. Identifiers: Orphanet 30924, MedGen C1865974, MONDO:0011176, OMIM 602014.

Allele frequency attached by ClinVar (database versions not stated): gnomAD exomes below 0.00001; ExAC 0.00001.
gnomAD v4.1: 1 of 1,614,200 alleles (0.000062%); highest among the groups gnomAD compares: Admixed American, 0.0017%; no homozygotes.

Submissions (2):

Fulgent Genetics
Classification: Uncertain significance for Intestinal hypomagnesemia 1. Last evaluated: 2024-06-14. Review status: criteria provided, single submitter. Criteria: ACMG Guidelines, 2015. Collection method: clinical testing. Allele origin: germline.

Labcorp Genetics (formerly Invitae), Labcorp
Classification: Uncertain significance. Last evaluated: 2022-04-02. Review status: criteria provided, single submitter. Criteria: Invitae Variant Classification Sherloc (09022015). Collection method: clinical testing. Allele origin: germline.
Comment: In summary, the available evidence is currently insufficient to determine the role of this variant in disease. Therefore, it has been classified as a Variant of Uncertain Significance. Algorithms developed to predict the effect of missense changes on protein structure and function (SIFT, PolyPhen-2, Align-GVGD) all suggest that this variant is likely to be tolerated. This variant has not been reported in the literature in individuals affected with TRPM6-related conditions. This variant is present in population databases (rs769242388, gnomAD 0.003%). This sequence change replaces glutamic acid, which is acidic and polar, with alanine, which is neutral and non-polar, at codon 1997 of the TRPM6 protein (p.Glu1997Ala).